The following is an entry in ClinVar:

ClinVar aggregate classification (germline): Uncertain significance (0 of 4 stars; one submission).

Conditions:
GRHL3-related disorder. Also called: GRHL3-related condition.

Allele frequency attached by ClinVar (database versions not stated): ExAC 0.00002; gnomAD 0.00002; gnomAD exomes 0.00003; TOPMed 0.00003.
gnomAD v4.1: 39 of 1,606,336 alleles (0.0024%); highest among the groups gnomAD compares: Non-Finnish European, 0.0031%; no homozygotes.

Submission:

PreventionGenetics, part of Exact Sciences
Classification: Uncertain significance for GRHL3-related condition. Last evaluated: 2023-12-18. Review status: no assertion criteria provided. Collection method: clinical testing. Allele origin: germline.
Comment: The GRHL3 c.595A>G variant is predicted to result in the amino acid substitution p.Lys199Glu. To our knowledge, this variant has not been reported in the literature. This variant is reported in 0.0081% of alleles in individuals of African descent in gnomAD. At this time, the clinical significance of this variant is uncertain due to the absence of conclusive functional and genetic evidence.

NM_198173.3(GRHL3):c.595A>G (p.Lys199Glu)

Gene: GRHL3 (grainyhead like transcription factor 3; plus strand). Cytogenetic location: 1p36.11.
Variant type: single nucleotide variant.
Coding change: c.595A>G on transcript NM_198173.3 (MANE Select); coding-DNA position 595, A replaced by G.
Protein change: p.Lys199Glu; replaces lysine 199 with glutamic acid.
Molecular consequence: missense variant.
Genome position (GRCh38, 1-based): chr1:24,336,810, A>G. VCF-style: chr1-24336810-A-G. GRCh37 (hg19) VCF-style: chr1-24663300-A-G.
Other names: c.457A>G, p.Lys153Glu (NM_001195010.2); c.610A>G, p.Lys204Glu (NM_021180.4); c.595A>G, p.Lys199Glu (NM_198174.3); short protein forms K153E, K199E, K204E.
Identifiers: ClinVar variation 3052830 (VCV003052830.2), dbSNP rs777682242, ClinGen allele CA689924.